The following is an entry in ClinVar:

ClinVar aggregate classification (germline): Likely benign (1 of 4 stars; one submission).

Allele frequency attached by ClinVar (database versions not stated): TOPMed 0.00001.

Submission:

CeGaT Center for Human Genetics Tuebingen
Classification: Likely benign. Last evaluated: 2022-05-01. Review status: criteria provided, single submitter. Criteria: CeGaT Center For Human Genetics Tuebingen Variant Classification Criteria Version 2. Collection method: clinical testing. Allele origin: germline. Affected: yes. Observed: 1 variant allele.
Comment: SPATC1: BP4, BP7

NM_198572.3(SPATC1):c.1099C>A (p.Arg367=)

Gene: SPATC1 (spermatogenesis and centriole associated 1; plus strand). Cytogenetic location: 8q24.3.
Variant type: single nucleotide variant.
Coding change: c.1099C>A on transcript NM_198572.3 (MANE Select); coding-DNA position 1099, C replaced by A.
Protein change: p.Arg367=; no amino-acid change (arginine 367 retained).
Molecular consequence: synonymous variant.
Genome position (GRCh38, 1-based): chr8:144,040,900, C>A. VCF-style: chr8-144040900-C-A. GRCh37 (hg19) VCF-style: chr8-145095801-C-A.
Other names: c.1099C>A, p.Arg367= (NM_001134374.2).
Identifiers: ClinVar variation 2658962 (VCV002658962.24), dbSNP rs782584086, ClinGen allele CA4930695.